The following is an entry in ClinVar:

ClinVar aggregate classification (germline): Uncertain significance (1 of 4 stars; one submission).

Conditions:
Beck-Fahrner syndrome (BEFAHRS). Identifiers: Orphanet 684216, MedGen C5394097, MONDO:0032922, OMIM 618798.

Allele frequency attached by ClinVar (database versions not stated): ExAC 0.00001; gnomAD 0.00001.
gnomAD v4.1: 26 of 1,613,848 alleles (0.0016%); highest among the groups gnomAD compares: East Asian, 0.013%; no homozygotes.

Submission:

Clinical Genomics Laboratory, Washington University in St. Louis
Classification: Uncertain significance for Beck-Fahrner syndrome. Last evaluated: 2023-12-08. Review status: criteria provided, single submitter. Criteria: ACMG Guidelines, 2015. Collection method: clinical testing. Allele origin: germline.
Comment: The TET3 c.3019G>A (p.Ala1007Thr) variant, to our knowledge, has not been reported in the medical literature. This variant is only observed on 5/249,066 alleles in the general population (gnomAD v.2.1.1), indicating it is not a common variant. This variant resides within the catalytic domain, amino acids 773-1776, of TET3 that is defined as a critical functional domain (Beck DB et al., PMID: 31928709). Computational predictors suggest that the variant does not impact TET3 function. Due to limited information, and based on ACMG/AMP guidelines for variant interpretation (Richards S et al., PMID: 25741868), the clinical significance of this variant is uncertain at this time.

NM_001287491.2(TET3):c.3019G>A (p.Ala1007Thr)

Gene: TET3 (tet methylcytosine dioxygenase 3; plus strand). Cytogenetic location: 2p13.1.
Variant type: single nucleotide variant.
Coding change: c.3019G>A on transcript NM_001287491.2 (MANE Select); coding-DNA position 3019, G replaced by A.
Protein change: p.Ala1007Thr; replaces alanine 1007 with threonine.
Molecular consequence: missense variant.
Genome position (GRCh38, 1-based): chr2:74,090,027, G>A. VCF-style: chr2-74090027-G-A. GRCh37 (hg19) VCF-style: chr2-74317154-G-A.
Other names: c.2740G>A, p.Ala914Thr (NM_001366022.1); c.2614G>A, p.Ala872Thr (NM_144993.1); short protein forms A1007T, A872T, A914T.
Identifiers: ClinVar variation 3236615 (VCV003236615.1), dbSNP rs754843346, ClinGen allele CA1718898.